The following is an entry in ClinVar:

NM_001382391.1(CSPP1):c.1209G>T (p.Arg403Ser)

Gene: CSPP1 (centrosome and spindle pole associated protein 1; plus strand). Cytogenetic location: 8q13.2.
Variant type: single nucleotide variant.
Coding change: c.1209G>T on transcript NM_001382391.1 (MANE Select); coding-DNA position 1209, G replaced by T.
Protein change: p.Arg403Ser; replaces arginine 403 with serine.
Molecular consequence: missense variant.
Genome position (GRCh38, 1-based): chr8:67,113,826, G>T. VCF-style: chr8-67113826-G-T. GRCh37 (hg19) VCF-style: chr8-68026061-G-T.
Other names: c.354G>T, p.Arg118Ser (NM_001291339.2); c.1128G>T, p.Arg376Ser (NM_001363131.2, NM_001363133.2); c.1209G>T, p.Arg403Ser (NM_001363132.2); c.1317G>T, p.Arg439Ser (NM_001364869.1); c.1137G>T, p.Arg379Ser (NM_001364870.1); c.1236G>T, p.Arg412Ser (NM_024790.7); short protein forms R118S, R379S, R439S, R412S, R376S, R403S.
Identifiers: ClinVar variation 1350908 (VCV001350908.6), dbSNP rs370123119, ClinGen allele CA371197624.
Genomic context (GRCh38, chr8:67,113,826, plus strand): 5'-CTATATCTTTTTAATATGTAAAACTTTAATTTTGTTTAGAGAAAAAGATTTAGAACTCAG[G>T]GTTGCAGCGTCTGGAGCACAAGACCCTGAGAAATCGGTAAGGGTTTCTGGCATCTTTTAA-3'
Protein context (NP_001369320.1, residues 393-413): NKRREKDLEL[Arg403Ser]VAASGAQDPE

ClinVar aggregate classification (germline): Uncertain significance (1 of 4 stars; one submission).

Conditions:
Joubert syndrome 21 (JBTS21). Identifiers: MedGen C3810212, MONDO:0014288, OMIM 615636.

gnomAD v4.1: 1 of 1,587,626 alleles (0.000063%); highest among the groups gnomAD compares: Admixed American, 0.0017%; no homozygotes.

Submission:

Labcorp Genetics (formerly Invitae), Labcorp
Classification: Uncertain significance for Joubert syndrome 21. Last evaluated: 2025-04-22. Review status: criteria provided, single submitter. Criteria: Invitae Variant Classification Sherloc (09022015). Collection method: clinical testing. Allele origin: germline.
Comment: This sequence change replaces arginine, which is basic and polar, with serine, which is neutral and polar, at codon 412 of the CSPP1 protein (p.Arg412Ser). This variant is not present in population databases (gnomAD no frequency). This variant has not been reported in the literature in individuals affected with CSPP1-related conditions. ClinVar contains an entry for this variant (Variation ID: 1350908). An algorithm developed to predict the effect of missense changes on protein structure and function outputs the following: PolyPhen-2: "Benign". The serine amino acid residue is found in multiple mammalian species, which suggests that this missense change does not adversely affect protein function. In summary, the available evidence is currently insufficient to determine the role of this variant in disease. Therefore, it has been classified as a Variant of Uncertain Significance.